The following is an entry in ClinVar:

ClinVar aggregate classification (germline): Uncertain significance (1 of 4 stars; one submission).

Conditions:
Primary ciliary dyskinesia 6. Also called: Primary Ciliary Dyskinesia 6: TXNDC3-Related Primary Ciliary Dyskinesia. Identifiers: Orphanet 244, MedGen C1970506, MONDO:0012571, OMIM 610852.

gnomAD v4.1: 7 of 1,613,260 alleles (0.00043%); highest among the groups gnomAD compares: African/African-American, 0.0013%; no homozygotes.

Submission:

Labcorp Genetics (formerly Invitae), Labcorp
Classification: Uncertain significance for Primary ciliary dyskinesia 6. Last evaluated: 2020-07-09. Review status: criteria provided, single submitter. Criteria: Invitae Variant Classification Sherloc (09022015). Collection method: clinical testing. Allele origin: germline.
Comment: This sequence change replaces asparagine with lysine at codon 57 of the NME8 protein (p.Asn57Lys). The asparagine residue is moderately conserved and there is a moderate physicochemical difference between asparagine and lysine. This variant is not present in population databases (ExAC no frequency). This variant has not been reported in the literature in individuals with NME8-related conditions. Algorithms developed to predict the effect of missense changes on protein structure and function are either unavailable or do not agree on the potential impact of this missense change (SIFT: "Deleterious"; PolyPhen-2: "Probably Damaging"; Align-GVGD: "Class C0"). In summary, the available evidence is currently insufficient to determine the role of this variant in disease. Therefore, it has been classified as a Variant of Uncertain Significance.

NM_016616.5(NME8):c.171C>G (p.Asn57Lys)

Gene: NME8 (NME/NM23 family member 8; plus strand). Cytogenetic location: 7p14.1.
Variant type: single nucleotide variant.
Coding change: c.171C>G on transcript NM_016616.5 (MANE Select); coding-DNA position 171, C replaced by G.
Protein change: p.Asn57Lys; replaces asparagine 57 with lysine.
Molecular consequence: missense variant.
Genome position (GRCh38, 1-based): chr7:37,850,708, C>G. VCF-style: chr7-37850708-C-G. GRCh37 (hg19) VCF-style: chr7-37890310-C-G.
Other names: short protein forms N57K.
Identifiers: ClinVar variation 1053075 (VCV001053075.9), dbSNP rs180763598, ClinGen allele CA367219615.
Genomic context (GRCh38, chr7:37,850,708, plus strand): 5'-CTGGTGTGGACCTTGCAGAGCAATGCAACCTTTATTCAGAAAATTGAAAAATGAACTGAA[C>G]GAAGACGAAATTCTGCATTTTGCTGTCGTAAGAATTTTGTTTTCATTAAACCACTGTTTT-3'
Protein context (NP_057700.3, residues 47-67): PLFRKLKNEL[Asn57Lys]EDEILHFAVA